The following is an entry in ClinVar:

NM_170606.3(KMT2C):c.5416A>G (p.Ile1806Val)

Gene: KMT2C (lysine methyltransferase 2C; minus strand). Cytogenetic location: 7q36.1.
Variant type: single nucleotide variant.
Coding change: c.5416A>G on transcript NM_170606.3 (MANE Select); coding-DNA position 5416, A replaced by G.
Protein change: p.Ile1806Val; replaces isoleucine 1806 with valine.
Molecular consequence: missense variant.
Genome position (GRCh38, 1-based): chr7:152,182,444, T>C on the plus strand (A>G on the coding strand, the complement: KMT2C is on the minus strand). VCF-style: chr7-152182444-T-C. GRCh37 (hg19) VCF-style: chr7-151879529-T-C.
Other names: short protein forms I1806V.
Identifiers: ClinVar variation 1679517 (VCV001679517.3), dbSNP rs1256350350, ClinGen allele CA370098928.

ClinVar aggregate classification (germline): Uncertain significance (1 of 4 stars; one submission).

gnomAD v4.1: 1 of 1,614,096 alleles (0.000062%); highest among the groups gnomAD compares: Non-Finnish European, 0.000085%; no homozygotes.

Submission:

Centre of Medical Genetics, University Hospital Muenster
Classification: Uncertain significance. Last evaluated: 2021-12-17. Review status: criteria provided, single submitter. Criteria: ACMG Guidelines, 2015. Collection method: clinical testing. Allele origin: unknown. Affected: yes. Observed: 1 variant allele, 1 heterozygote.
Comment: ACMG categories: PM2,BP1